The following is an entry in ClinVar:

ClinVar aggregate classification (germline): Conflicting classifications of pathogenicity. Review status: criteria provided, conflicting classifications (1 of 4 stars). 2 submissions from 2 submitters: Likely pathogenic (1); Uncertain significance (1). Last evaluated 2025-06-12.

Conditions:
Peutz-Jeghers syndrome (PJS). Also called: POLYPOSIS, HAMARTOMATOUS INTESTINAL; POLYPS-AND-SPOTS SYNDROME; Peutz-Jeghers polyposis; Periorificial lentiginosis syndrome. Identifiers: Orphanet 2869, MedGen C0031269, MeSH D010580, MONDO:0008280, OMIM 175200.
Hereditary cancer-predisposing syndrome. Also called: Tumor predisposition; Neoplastic Syndromes, Hereditary; Hereditary Cancer Syndrome; Hereditary neoplastic syndrome. Identifiers: Orphanet 140162, MedGen C0027672, MeSH D009386, MONDO:0015356.

Submissions (2):

Ambry Genetics
Classification: Likely pathogenic for Hereditary cancer-predisposing syndrome. Last evaluated: 2025-06-12. Review status: criteria provided, single submitter. Criteria: Ambry Variant Classification Scheme 2023. Collection method: clinical testing. Allele origin: germline.
Comment: The p.N181T variant (also known as c.542A>C), located in coding exon 4 of the STK11 gene, results from an A to C substitution at nucleotide position 542. The asparagine at codon 181 is replaced by threonine, an amino acid with similar properties. This variant was reported in individual(s) with features consistent with Peutz-Jeghers syndrome (Ambry internal data). Another variant at the same codon, p.N181S (c.542A>G) has also been identified in individual(s) with features consistent with Peutz-Jeghers syndrome (Ambry internal data). This amino acid position is highly conserved in available vertebrate species. Based on internal structural analysis, p.N181T is deleterious. In addition, this alteration is predicted to be deleterious by in silico analysis. This variant is considered to be rare based on population cohorts in the Genome Aggregation Database (gnomAD). Based on the majority of available evidence to date, this variant is likely to be pathogenic.

Labcorp Genetics (formerly Invitae), Labcorp
Classification: Uncertain significance for Peutz-Jeghers syndrome. Last evaluated: 2025-05-07. Review status: criteria provided, single submitter. Criteria: Invitae Variant Classification Sherloc (09022015). Collection method: clinical testing. Allele origin: germline.
Comment: This sequence change replaces asparagine, which is neutral and polar, with threonine, which is neutral and polar, at codon 181 of the STK11 protein (p.Asn181Thr). This variant is not present in population databases (gnomAD no frequency). This missense change has been observed in individual(s) with Peutz-Jeghers syndrome (PMID: 10623683). Invitae Evidence Modeling of protein sequence and biophysical properties (such as structural, functional, and spatial information, amino acid conservation, physicochemical variation, residue mobility, and thermodynamic stability) has been performed for this missense variant. However, the output from this modeling did not meet the statistical confidence thresholds required to predict the impact of this variant on STK11 protein function. This variant disrupts the p.Asn181 amino acid residue in STK11. Other variant(s) that disrupt this residue have been determined to be pathogenic (PMID: 9887330, 10623683, 15121768; internal data). This suggests that this residue is clinically significant, and that variants that disrupt this residue are likely to be disease-causing. In summary, the available evidence is currently insufficient to determine the role of this variant in disease. Therefore, it has been classified as a Variant of Uncertain Significance.

Literature cited by the submitters: PubMed 10623683 (cited by Labcorp Genetics (formerly Invitae), Labcorp); PubMed 9887330 (cited by Labcorp Genetics (formerly Invitae), Labcorp); PubMed 15121768 (cited by Labcorp Genetics (formerly Invitae), Labcorp).

NM_000455.5(STK11):c.542A>C (p.Asn181Thr)

Gene: STK11 (serine/threonine kinase 11; plus strand). Cytogenetic location: 19p13.3.
Variant type: single nucleotide variant.
Coding change: c.542A>C on transcript NM_000455.5 (MANE Select); coding-DNA position 542, A replaced by C.
Protein change: p.Asn181Thr; replaces asparagine 181 with threonine.
Molecular consequence: missense variant. On other transcripts: non-coding transcript variant (1).
Genome position (GRCh38, 1-based): chr19:1,220,450, A>C. VCF-style: chr19-1220450-A-C. GRCh37 (hg19) VCF-style: chr19-1220449-A-C.
Other names: c.542A>C, p.Asn181Thr (NM_001407255.1); short protein forms N181T.
Identifiers: ClinVar variation 3963260 (VCV003963260.2).